The following is an entry in ClinVar:

NM_015046.7(SETX):c.7084G>A (p.Glu2362Lys)

Gene: SETX (senataxin; minus strand). Cytogenetic location: 9q34.13.
Variant type: single nucleotide variant.
Coding change: c.7084G>A on transcript NM_015046.7 (MANE Select); coding-DNA position 7084, G replaced by A.
Protein change: p.Glu2362Lys; replaces glutamic acid 2362 with lysine.
Molecular consequence: missense variant.
Genome position (GRCh38, 1-based): chr9:132,275,272, C>T on the plus strand (G>A on the coding strand, the complement: SETX is on the minus strand). VCF-style: chr9-132275272-C-T. GRCh37 (hg19) VCF-style: chr9-135150659-C-T.
Other names: c.7084G>A, p.Glu2362Lys (NM_001351527.2, NM_001351528.2); short protein forms E2362K.
Identifiers: ClinVar variation 3349808 (VCV003349808.1).

ClinVar aggregate classification (germline): Uncertain significance (0 of 4 stars; one submission).

Conditions:
SETX-related disorder. Also called: SETX-related condition; SETX-related disorders. Identifiers: MedGen CN239403.

Submission:

PreventionGenetics, part of Exact Sciences
Classification: Uncertain significance for SETX-related condition. Last evaluated: 2024-01-09. Review status: no assertion criteria provided. Collection method: clinical testing. Allele origin: germline.
Comment: The SETX c.7084G>A variant is predicted to result in the amino acid substitution p.Glu2362Lys. To our knowledge, this variant has not been reported in the literature or in a large population database, indicating this variant is rare. At this time, the clinical significance of this variant is uncertain due to the absence of conclusive functional and genetic evidence.